The following is an entry in ClinVar:

ClinVar aggregate classification (germline): Uncertain significance (1 of 4 stars; one submission).

Conditions:
Inborn genetic diseases. Identifiers: MedGen C0950123, MeSH D030342.

Allele frequency attached by ClinVar (database versions not stated): gnomAD 0.00001; TOPMed 0.00002.
gnomAD v4.1: 3 of 1,613,884 alleles (0.00019%); highest among the groups gnomAD compares: African/African-American, 0.0013%; no homozygotes.

Submission:

Ambry Genetics
Classification: Uncertain significance for Inborn genetic diseases. Last evaluated: 2023-03-25. Review status: criteria provided, single submitter. Criteria: Ambry Variant Classification Scheme 2023. Collection method: clinical testing. Allele origin: germline.
Comment: The p.S69N variant (also known as c.206G>A), located in coding exon 2 of the MDH2 gene, results from a G to A substitution at nucleotide position 206. The serine at codon 69 is replaced by asparagine, an amino acid with highly similar properties. This amino acid position is conserved. In addition, the in silico prediction for this alteration is inconclusive. Since supporting evidence is limited at this time, the clinical significance of this alteration remains unclear.

NM_005918.4(MDH2):c.206G>A (p.Ser69Asn)

Gene: MDH2 (malate dehydrogenase 2; plus strand). Cytogenetic location: 7q11.23.
Variant type: single nucleotide variant.
Coding change: c.206G>A on transcript NM_005918.4 (MANE Select); coding-DNA position 206, G replaced by A.
Protein change: p.Ser69Asn; replaces serine 69 with asparagine.
Molecular consequence: missense variant. On other transcripts: intron variant (1).
Genome position (GRCh38, 1-based): chr7:76,054,969, G>A. VCF-style: chr7-76054969-G-A. GRCh37 (hg19) VCF-style: chr7-75684287-G-A.
Other names: c.206G>A, p.Ser69Asn (NM_001282403.2); c.-86-2441G>A (NM_001282404.2); short protein forms S69N.
Identifiers: ClinVar variation 2561516 (VCV002561516.2), dbSNP rs1188608233, ClinGen allele CA367762637.